The following is an entry in ClinVar:

ClinVar aggregate classification (germline): Uncertain significance (1 of 4 stars; one submission).

Submission:

Women's Health and Genetics/Laboratory Corporation of America, LabCorp
Classification: Uncertain significance. Last evaluated: 2023-12-19. Review status: criteria provided, single submitter. Criteria: LabCorp Variant Classification Summary - May 2015. Collection method: clinical testing. Allele origin: germline.
Comment: Variant summary: INF2 c.3698T>C (p.Val1233Ala) results in a non-conservative amino acid change in the encoded protein sequence. Three of five in-silico tools predict a benign effect of the variant on protein function. The variant was absent in 249168 control chromosomes. The available data on variant occurrences in the general population are insufficient to allow any conclusion about variant significance. To our knowledge, no occurrence of c.3698T>C in individuals affected with Charcot-Marie Disease, Dominant Intermediate E and no experimental evidence demonstrating its impact on protein function have been reported. No submitters have cited clinical-significance assessments for this variant to ClinVar after 2014. Based on the evidence outlined above, the variant was classified as uncertain significance.

NM_022489.4(INF2):c.3698T>C (p.Val1233Ala)

Gene: INF2 (inverted formin 2; plus strand). Cytogenetic location: 14q32.33.
Variant type: single nucleotide variant.
Coding change: c.3698T>C on transcript NM_022489.4 (MANE Select); coding-DNA position 3698, T replaced by C.
Protein change: p.Val1233Ala; replaces valine 1233 with alanine.
Molecular consequence: missense variant. On other transcripts: intron variant (1).
Genome position (GRCh38, 1-based): chr14:104,715,287, T>C. VCF-style: chr14-104715287-T-C. GRCh37 (hg19) VCF-style: chr14-105181624-T-C.
Other names: c.3698T>C, p.Val1233Ala (NM_001426863.1, NM_001426864.1); c.3694+431T>C (NM_001031714.4); short protein forms V1233A.
Identifiers: ClinVar variation 2691348 (VCV002691348.1), dbSNP rs570323218, ClinGen allele CA391226162.